The following is an entry in ClinVar:

NM_020366.4(RPGRIP1):c.399_408dup (p.Arg137fs)

Gene: RPGRIP1 (RPGR interacting protein 1; plus strand). Cytogenetic location: 14q11.2.
Variant type: Duplication.
Coding change: c.399_408dup on transcript NM_020366.4 (MANE Select); coding-DNA positions 399 to 408, 10 bases duplicated (TGCCAGCCCC; older notation c.399_408dupTGCCAGCCCC).
Protein change: p.Arg137fs; shifts the reading frame from arginine 137.
Molecular consequence: frameshift variant.
Genome position (GRCh38, 1-based): chr14:21,301,146-21,301,155, TGCCAGCCCC duplicated; duplicating any 10 consecutive bases within chr14:21,301,143-21,301,155 gives the same sequence; the c. name uses the placement nearest the transcript's 3' end. VCF-style (leftmost placement, unchanged base first): chr14-21301142-G-GCCCTGCCAGC. GRCh37 (hg19) VCF-style: chr14-21769301-G-GCCCTGCCAGC.
Other names: short protein forms R137fs.
Identifiers: ClinVar variation 3759526 (VCV003759526.2).

ClinVar aggregate classification (germline): Pathogenic (1 of 4 stars; one submission).

Conditions:
Leber congenital amaurosis 6 (LCA6). Identifiers: Orphanet 65, MedGen C1854260, MONDO:0013446, OMIM 613826.
Cone-rod dystrophy 13 (CORD13). Identifiers: Orphanet 1872, MedGen C2750720, MONDO:0011987, OMIM 608194.

Submission:

Labcorp Genetics (formerly Invitae), Labcorp
Classification: Pathogenic for Leber congenital amaurosis 6; Cone-rod dystrophy 13. Last evaluated: 2024-10-26. Review status: criteria provided, single submitter. Criteria: Invitae Variant Classification Sherloc (09022015). Collection method: clinical testing. Allele origin: germline.
Comment: This sequence change creates a premature translational stop signal (p.Arg137Cysfs*45) in the RPGRIP1 gene. It is expected to result in an absent or disrupted protein product. Loss-of-function variants in RPGRIP1 are known to be pathogenic (PMID: 11528500, 23105016). This variant is not present in population databases (gnomAD no frequency). This variant has not been reported in the literature in individuals affected with RPGRIP1-related conditions. For these reasons, this variant has been classified as Pathogenic.

Literature cited by the submitters: PubMed 11528500; PubMed 23105016.